The following is an entry in ClinVar:

NM_005515.4(MNX1):c.445G>A (p.Gly149Ser)

Genes: MNX1 (motor neuron and pancreas homeobox 1; minus strand), LOC129999736 (ATAC-STARR-seq lymphoblastoid silent region 18858; plus strand). Cytogenetic location: 7q36.3.
Variant type: single nucleotide variant.
Coding change: c.445G>A on transcript NM_005515.4 (MANE Select); coding-DNA position 445, G replaced by A.
Protein change: p.Gly149Ser; replaces glycine 149 with serine.
Molecular consequence: missense variant.
Genome position (GRCh38, 1-based): chr7:157,009,906, C>T on the plus strand (G>A on the coding strand, the complement: MNX1 is on the minus strand). VCF-style: chr7-157009906-C-T. GRCh37 (hg19) VCF-style: chr7-156802600-C-T.
Other names: c.445G>A (NM_005515.3); short protein forms G149S.
Identifiers: ClinVar variation 1415319 (VCV001415319.9), dbSNP rs1333052902, ClinGen allele CA370164542.

ClinVar aggregate classification (germline): Uncertain significance. Review status: criteria provided, multiple submitters, no conflicts (2 of 4 stars). 3 submissions from 3 submitters: Uncertain significance (3). Last evaluated 2025-11-27.

Conditions:
Inborn genetic diseases. Identifiers: MedGen C0950123, MeSH D030342.
Currarino triad. Identifiers: Orphanet 1552, MedGen C1531773, MONDO:0008305, OMIM 176450.

Allele frequency attached by ClinVar (database versions not stated): 1000 Genomes Project 30x 0.00016; gnomAD 0.00019; TOPMed 0.00022.

Submissions (3):

Labcorp Genetics (formerly Invitae), Labcorp
Classification: Uncertain significance. Last evaluated: 2025-11-27. Review status: criteria provided, single submitter. Criteria: Invitae Variant Classification Sherloc (09022015). Collection method: clinical testing. Allele origin: germline.
Comment: This sequence change replaces glycine, which is neutral and non-polar, with serine, which is neutral and polar, at codon 149 of the MNX1 protein (p.Gly149Ser). This variant is present in population databases (no rsID available, gnomAD 0.009%). This variant has not been reported in the literature in individuals affected with MNX1-related conditions. ClinVar contains an entry for this variant (Variation ID: 1415319). Invitae Evidence Modeling of protein sequence and biophysical properties (such as structural, functional, and spatial information, amino acid conservation, physicochemical variation, residue mobility, and thermodynamic stability) indicates that this missense variant is not expected to disrupt MNX1 protein function with a negative predictive value of 80%. In summary, the available evidence is currently insufficient to determine the role of this variant in disease. Therefore, it has been classified as a Variant of Uncertain Significance.

Ambry Genetics
Classification: Uncertain significance for Inborn genetic diseases. Last evaluated: 2025-09-25. Review status: criteria provided, single submitter. Criteria: Ambry Variant Classification Scheme 2023. Collection method: clinical testing. Allele origin: germline.

Fulgent Genetics
Classification: Uncertain significance for Currarino triad. Last evaluated: 2021-12-14. Review status: criteria provided, single submitter. Criteria: ACMG Guidelines, 2015. Collection method: clinical testing. Allele origin: unknown.